The following is an entry in ClinVar:

NC_000004.12:g.(?_54280306)_(54280492_?)dup

Gene: PDGFRA (platelet derived growth factor receptor alpha; plus strand). Cytogenetic location: 4q12.
Variant type: Duplication.
Identifiers: ClinVar variation 832513 (VCV000832513.3).

ClinVar aggregate classification (germline): Uncertain significance (1 of 4 stars; one submission).

Conditions:
Gastrointestinal stromal tumor. Also called: Gastrointestinal stromal tumor, somatic; Gastrointestinal stroma tumor. Identifiers: Orphanet 44890, MedGen C0238198, MeSH D046152, MONDO:0011719, OMIM 606764, HP:0100723.

Submission:

Labcorp Genetics (formerly Invitae), Labcorp
Classification: Uncertain significance for Gastrointestinal stromal tumor. Last evaluated: 2019-08-22. Review status: criteria provided, single submitter. Criteria: Invitae Variant Classification Sherloc (09022015). Collection method: clinical testing. Allele origin: germline.
Comment: This variant has not been reported in the literature in individuals with PDGFRA-related conditions. In summary, the available evidence is currently insufficient to determine the role of this variant in disease. Therefore, it has been classified as a Variant of Uncertain Significance. The current clinical and genetic evidence is not sufficient to establish whether loss-of-function variants in PDGFRA cause disease. Experimental studies and prediction algorithms are not available or were not evaluated for this variant, and the functional significance of this variant is currently unknown. This variant results in a copy number gain of the genomic region encompassing exon 16 of the PDGFRA gene. While the exact position of this variant cannot be determined from this data, sub-genic copy number gains are generally in tandem (PMID: 25640679) and may result in an absent or disrupted protein product.

Literature cited by the submitters: PubMed 25640679.